The following is an entry in ClinVar:

ClinVar aggregate classification (germline): Uncertain significance (1 of 4 stars; one submission).

Submission:

Labcorp Genetics (formerly Invitae), Labcorp
Classification: Uncertain significance. Last evaluated: 2022-05-30. Review status: criteria provided, single submitter. Criteria: Invitae Variant Classification Sherloc (09022015). Collection method: clinical testing. Allele origin: germline.
Comment: In summary, the available evidence is currently insufficient to determine the role of this variant in disease. Therefore, it has been classified as a Variant of Uncertain Significance. Algorithms developed to predict the effect of missense changes on protein structure and function are either unavailable or do not agree on the potential impact of this missense change (SIFT: "Tolerated"; PolyPhen-2: "Possibly Damaging"; Align-GVGD: "Class C0"). This variant has not been reported in the literature in individuals affected with TOPORS-related conditions. This variant is not present in population databases (gnomAD no frequency). This sequence change replaces alanine, which is neutral and non-polar, with proline, which is neutral and non-polar, at codon 63 of the TOPORS protein (p.Ala63Pro).

NM_005802.5(TOPORS):c.187G>C (p.Ala63Pro)

Gene: TOPORS (TOP1 binding arginine/serine rich protein, E3 ubiquitin ligase; minus strand). Cytogenetic location: 9p21.1.
Variant type: single nucleotide variant.
Coding change: c.187G>C on transcript NM_005802.5 (MANE Select); coding-DNA position 187, G replaced by C.
Protein change: p.Ala63Pro; replaces alanine 63 with proline.
Molecular consequence: missense variant. On other transcripts: intron variant (1).
Genome position (GRCh38, 1-based): chr9:32,550,785, C>G on the plus strand (G>C on the coding strand, the complement: TOPORS is on the minus strand). VCF-style: chr9-32550785-C-G. GRCh37 (hg19) VCF-style: chr9-32550783-C-G.
Other names: c.3+1649G>C (NM_001195622.2); short protein forms A63P.
Identifiers: ClinVar variation 2001257 (VCV002001257.4), dbSNP rs866455605, ClinGen allele CA373173263.